The following is an entry in ClinVar:

NM_000219.6(KCNE1):c.355A>T (p.Asn119Tyr)

Gene: KCNE1 (potassium voltage-gated channel subfamily E regulatory subunit 1; minus strand). Cytogenetic location: 21q22.12.
Variant type: single nucleotide variant.
Coding change: c.355A>T on transcript NM_000219.6 (MANE Select); coding-DNA position 355, A replaced by T.
Protein change: p.Asn119Tyr; replaces asparagine 119 with tyrosine.
Molecular consequence: missense variant.
Genome position (GRCh38, 1-based): chr21:34,449,280, T>A on the plus strand (A>T on the coding strand, the complement: KCNE1 is on the minus strand). VCF-style: chr21-34449280-T-A. GRCh37 (hg19) VCF-style: chr21-35821578-T-A.
Other names: c.355A>T, p.Asn119Tyr (NM_001127668.4, NM_001127669.4, NM_001127670.4 and 4 more transcripts); short protein forms N119Y.
Identifiers: ClinVar variation 3373796 (VCV003373796.2).

Conditions:
Long QT syndrome 5 (LQT5). Identifiers: Orphanet 101016, Orphanet 768, MedGen C1867904, MONDO:0013372, OMIM 613695.

Submission:

Roden Lab, Vanderbilt University Medical Center
No classification provided (evidence only). Condition: Long QT syndrome 5. Review status: no classification provided. Collection method: in vitro. Allele origin: not applicable. Functional consequence: Effect on ion channel function.
ClinVar note: "not provided" was previously submitted as the classification for the variant. However, the classification appeared to be based only on an observation of functional data so it was converted to no classification on 2025-07-30.